The following is an entry in ClinVar:

ClinVar aggregate classification (germline): Uncertain significance (1 of 4 stars; one submission).

Conditions:
Inborn genetic diseases. Identifiers: MedGen C0950123, MeSH D030342.

Allele frequency attached by ClinVar (database versions not stated): TOPMed below 0.00001.

Submission:

Ambry Genetics
Classification: Uncertain significance for Inborn genetic diseases. Last evaluated: 2021-10-03. Review status: criteria provided, single submitter. Criteria: Ambry Variant Classification Scheme 2023. Collection method: clinical testing. Allele origin: germline.
Comment: The p.T470I variant (also known as c.1409C>T), located in coding exon 8 of the PIK3CA gene, results from a C to T substitution at nucleotide position 1409. The threonine at codon 470 is replaced by isoleucine, an amino acid with similar properties. This amino acid position is conserved. In addition, the in silico prediction for this alteration is inconclusive. Since supporting evidence is limited at this time, the clinical significance of this alteration remains unclear.

NM_006218.4(PIK3CA):c.1409C>T (p.Thr470Ile)

Gene: PIK3CA (phosphatidylinositol-4,5-bisphosphate 3-kinase catalytic subunit alpha; plus strand). Cytogenetic location: 3q26.32.
Variant type: single nucleotide variant.
Coding change: c.1409C>T on transcript NM_006218.4 (MANE Select); coding-DNA position 1409, C replaced by T.
Protein change: p.Thr470Ile; replaces threonine 470 with isoleucine.
Molecular consequence: missense variant.
Genome position (GRCh38, 1-based): chr3:179,210,435, C>T. VCF-style: chr3-179210435-C-T. GRCh37 (hg19) VCF-style: chr3-178928223-C-T.
Other names: short protein forms T470I.
Identifiers: ClinVar variation 1771969 (VCV001771969.2), dbSNP rs1724679365, ClinGen allele CA355262208.
Genomic context (GRCh38, chr3:179,210,435, plus strand): 5'-TGGCAGTCAAACCTTCTCTCTTATGTATATATAATAGCTTTTCTTCCATCTCTTAGGAAA[C>T]TCCATGCTTAGAGTTGGAGTTTGACTGGTTCAGCAGTGTGGTAAAGTTCCCAGATATGTC-3'
Protein context (NP_006209.2, residues 460-480): GVTGSNPNKE[Thr470Ile]PCLELEFDWF